The following is an entry in ClinVar:

ClinVar aggregate classification (germline): Uncertain significance. Review status: criteria provided, multiple submitters, no conflicts (2 of 4 stars). 2 submissions from 2 submitters: Uncertain significance (2). Last evaluated 2024-12-02.

Conditions:
FG syndrome (FGS). Identifiers: MedGen C0220769, MONDO:0002010.

Submissions (2):

GeneDx
Classification: Uncertain significance. Last evaluated: 2024-12-02. Review status: criteria provided, single submitter. Criteria: GeneDx Variant Classification Process June 2021. Collection method: clinical testing. Allele origin: germline. Affected: yes.
Comment: Not observed at significant frequency in large population cohorts (gnomAD); In silico analysis supports that this missense variant has a deleterious effect on protein structure/function; Has not been previously published as pathogenic or benign to our knowledge

Labcorp Genetics (formerly Invitae), Labcorp
Classification: Uncertain significance for FG syndrome. Last evaluated: 2022-12-30. Review status: criteria provided, single submitter. Criteria: Invitae Variant Classification Sherloc (09022015). Collection method: clinical testing. Allele origin: germline.
Comment: This variant has not been reported in the literature in individuals affected with MED12-related conditions. This variant is not present in population databases (gnomAD no frequency). This sequence change replaces proline, which is neutral and non-polar, with threonine, which is neutral and polar, at codon 29 of the MED12 protein (p.Pro29Thr). ClinVar contains an entry for this variant (Variation ID: 1218735). In summary, the available evidence is currently insufficient to determine the role of this variant in disease. Therefore, it has been classified as a Variant of Uncertain Significance. Advanced modeling of protein sequence and biophysical properties (such as structural, functional, and spatial information, amino acid conservation, physicochemical variation, residue mobility, and thermodynamic stability) performed at Invitae indicates that this missense variant is not expected to disrupt MED12 protein function.

NM_005120.3(MED12):c.85C>A (p.Pro29Thr)

Gene: MED12 (mediator complex subunit 12; plus strand). Cytogenetic location: Xq13.1.
Variant type: single nucleotide variant.
Coding change: c.85C>A on transcript NM_005120.3 (MANE Select); coding-DNA position 85, C replaced by A.
Protein change: p.Pro29Thr; replaces proline 29 with threonine.
Molecular consequence: missense variant.
Genome position (GRCh38, 1-based): chrX:71,118,839, C>A. VCF-style: chrX-71118839-C-A. GRCh37 (hg19) VCF-style: chrX-70338689-C-A.
Other names: short protein forms P29T.
Identifiers: ClinVar variation 1218735 (VCV001218735.8), dbSNP rs2147767136, ClinGen allele CA413498460.